The following is an entry in ClinVar:

ClinVar aggregate classification (germline): Uncertain significance. Review status: criteria provided, multiple submitters, no conflicts (2 of 4 stars). 2 submissions from 2 submitters: Uncertain significance (2). Last evaluated 2024-08-30.

Conditions:
Brugada syndrome 8 (BRGDA8). Identifiers: Orphanet 130, MedGen C2751083, MONDO:0013148, OMIM 613123.

Allele frequency attached by ClinVar (database versions not stated): gnomAD exomes below 0.00001.
gnomAD v4.1: 2 of 1,613,626 alleles (0.00012%); highest among the groups gnomAD compares: African/African-American, 0.0013%; no homozygotes.

Submissions (2):

Labcorp Genetics (formerly Invitae), Labcorp
Classification: Uncertain significance for Brugada syndrome 8. Last evaluated: 2024-08-30. Review status: criteria provided, single submitter. Criteria: Invitae Variant Classification Sherloc (09022015). Collection method: clinical testing. Allele origin: germline.
Comment: This sequence change replaces valine, which is neutral and non-polar, with methionine, which is neutral and non-polar, at codon 706 of the HCN4 protein (p.Val706Met). This variant is present in population databases (no rsID available, gnomAD 0.003%). This variant has not been reported in the literature in individuals affected with HCN4-related conditions. ClinVar contains an entry for this variant (Variation ID: 1302640). Invitae Evidence Modeling of protein sequence and biophysical properties (such as structural, functional, and spatial information, amino acid conservation, physicochemical variation, residue mobility, and thermodynamic stability) indicates that this missense variant is expected to disrupt HCN4 protein function with a positive predictive value of 80%. In summary, the available evidence is currently insufficient to determine the role of this variant in disease. Therefore, it has been classified as a Variant of Uncertain Significance.

GeneDx
Classification: Uncertain significance. Last evaluated: 2024-06-06. Review status: criteria provided, single submitter. Criteria: GeneDx Variant Classification Process June 2021. Collection method: clinical testing. Allele origin: germline. Affected: yes.
Comment: Not observed at significant frequency in large population cohorts (gnomAD); In silico analysis supports that this missense variant has a deleterious effect on protein structure/function; Has not been previously published as pathogenic or benign to our knowledge

NM_005477.3(HCN4):c.2116G>A (p.Val706Met)

Gene: HCN4 (hyperpolarization activated cyclic nucleotide gated potassium channel 4; minus strand). Cytogenetic location: 15q24.1.
Variant type: single nucleotide variant.
Coding change: c.2116G>A on transcript NM_005477.3 (MANE Select); coding-DNA position 2116, G replaced by A.
Protein change: p.Val706Met; replaces valine 706 with methionine.
Molecular consequence: missense variant.
Genome position (GRCh38, 1-based): chr15:73,324,116, C>T on the plus strand (G>A on the coding strand, the complement: HCN4 is on the minus strand). VCF-style: chr15-73324116-C-T. GRCh37 (hg19) VCF-style: chr15-73616457-C-T.
Other names: short protein forms V706M.
Identifiers: ClinVar variation 1302640 (VCV001302640.5), dbSNP rs1359396157, ClinGen allele CA393089906.